The following is an entry in ClinVar:

NM_033337.3(CAV3):c.114+5G>C

Gene: CAV3 (caveolin 3; plus strand). Cytogenetic location: 3p25.3.
Variant type: single nucleotide variant.
Coding change: c.114+5G>C on transcript NM_033337.3 (MANE Select); 5 bases into the intron after coding-DNA position 114, G replaced by C.
Molecular consequence: intron variant.
Genome position (GRCh38, 1-based): chr3:8,733,995, G>C. VCF-style: chr3-8733995-G-C. GRCh37 (hg19) VCF-style: chr3-8775681-G-C.
Other names: c.114+5G>C (NM_001234.5).
Identifiers: ClinVar variation 526971 (VCV000526971.6), dbSNP rs1354029651, ClinGen allele CA658796222.

ClinVar aggregate classification (germline): Uncertain significance. Review status: criteria provided, multiple submitters, no conflicts (2 of 4 stars). 2 submissions from 2 submitters: Uncertain significance (2). Last evaluated 2023-12-26.

Conditions:
Cardiovascular phenotype. Identifiers: MedGen CN230736.
Long QT syndrome (LQTS). Identifiers: MedGen C0023976, MeSH D008133, MONDO:0002442. Disease mechanism: loss of function. Inheritance: Various modes of inheritance.

gnomAD v4.1: 1 of 1,551,010 alleles (0.000064%); highest among the groups gnomAD compares: African/African-American, 0.0014%; no homozygotes.

Submissions (2):

Ambry Genetics
Classification: Uncertain significance for Cardiovascular phenotype. Last evaluated: 2023-12-26. Review status: criteria provided, single submitter. Criteria: Ambry Variant Classification Scheme 2023. Collection method: clinical testing. Allele origin: germline.
Comment: The c.114+5G>C intronic variant results from a G to C substitution 5 nucleotides after coding exon 1 in the CAV3 gene. This nucleotide position is highly conserved in available vertebrate species. In silico splice site analysis predicts that this alteration will result in the creation or strengthening of a novel splice donor site. Since supporting evidence is limited at this time, the clinical significance of this alteration remains unclear.

Labcorp Genetics (formerly Invitae), Labcorp
Classification: Uncertain significance for Long QT syndrome. Last evaluated: 2022-10-13. Review status: criteria provided, single submitter. Criteria: Invitae Variant Classification Sherloc (09022015). Collection method: clinical testing. Allele origin: germline.
Comment: This variant is not present in population databases (gnomAD no frequency). This variant has not been reported in the literature in individuals affected with CAV3-related conditions. This sequence change falls in intron 1 of the CAV3 gene. It does not directly change the encoded amino acid sequence of the CAV3 protein. It affects a nucleotide within the consensus splice site. ClinVar contains an entry for this variant (Variation ID: 526971). Variants that disrupt the consensus splice site are a relatively common cause of aberrant splicing (PMID: 17576681, 9536098). Algorithms developed to predict the effect of sequence changes on RNA splicing suggest that this variant may create or strengthen a splice site. In summary, the available evidence is currently insufficient to determine the role of this variant in disease. Therefore, it has been classified as a Variant of Uncertain Significance.

Literature cited by the submitters: PubMed 17576681 (cited by Labcorp Genetics (formerly Invitae), Labcorp); PubMed 9536098 (cited by Labcorp Genetics (formerly Invitae), Labcorp).